The following is an entry in ClinVar:

ClinVar aggregate classification (germline): Uncertain significance (1 of 4 stars; one submission).

Conditions:
Autosomal recessive severe congenital neutropenia due to CSF3R deficiency. Also called: Neutropenia, severe congenital, 7, autosomal recessive. Identifiers: Orphanet 420702, MedGen C4310764, MONDO:0014865, OMIM 617014.

Submission:

Labcorp Genetics (formerly Invitae), Labcorp
Classification: Uncertain significance for Autosomal recessive severe congenital neutropenia due to CSF3R deficiency. Last evaluated: 2022-02-04. Review status: criteria provided, single submitter. Criteria: Invitae Variant Classification Sherloc (09022015). Collection method: clinical testing. Allele origin: germline.
Comment: In summary, the available evidence is currently insufficient to determine the role of this variant in disease. Therefore, it has been classified as a Variant of Uncertain Significance. Algorithms developed to predict the effect of missense changes on protein structure and function are either unavailable or do not agree on the potential impact of this missense change (SIFT: "Deleterious"; PolyPhen-2: "Probably Damaging"; Align-GVGD: "Class C15"). ClinVar contains an entry for this variant (Variation ID: 836578). This variant has not been reported in the literature in individuals affected with CSF3R-related conditions. This variant is not present in population databases (gnomAD no frequency). This sequence change replaces aspartic acid, which is acidic and polar, with tyrosine, which is neutral and polar, at codon 80 of the CSF3R protein (p.Asp80Tyr).

NM_000760.4(CSF3R):c.238G>T (p.Asp80Tyr)

Gene: CSF3R (colony stimulating factor 3 receptor; minus strand). Cytogenetic location: 1p34.3.
Variant type: single nucleotide variant.
Coding change: c.238G>T on transcript NM_000760.4 (MANE Select); coding-DNA position 238, G replaced by T.
Protein change: p.Asp80Tyr; replaces aspartic acid 80 with tyrosine.
Molecular consequence: missense variant.
Genome position (GRCh38, 1-based): chr1:36,475,500, C>A on the plus strand (G>T on the coding strand, the complement: CSF3R is on the minus strand). VCF-style: chr1-36475500-C-A. GRCh37 (hg19) VCF-style: chr1-36941101-C-A.
Other names: c.238G>T, p.Asp80Tyr (NM_156039.3, NM_172313.3); short protein forms D80Y.
Identifiers: ClinVar variation 836578 (VCV000836578.9), dbSNP rs1207837094, ClinGen allele CA339424901.